The following is an entry in ClinVar:

NM_001267550.2(TTN):c.76200T>C (p.Cys25400=)

Genes: TTN-AS1 (TTN antisense RNA 1; plus strand), TTN (titin; minus strand). Cytogenetic location: 2q31.2.
Variant type: single nucleotide variant.
Coding change: c.76200T>C on transcript NM_001267550.2 (MANE Select); coding-DNA position 76200, T replaced by C.
Protein change: p.Cys25400=; no amino-acid change (cysteine 25400 retained).
Molecular consequence: synonymous variant.
Genome position (GRCh38, 1-based): chr2:178,569,932, A>G on the plus strand (T>C on the coding strand, the complement: TTN is on the minus strand). VCF-style: chr2-178569932-A-G. GRCh37 (hg19) VCF-style: chr2-179434659-A-G.
Other names: c.71277T>C, p.Cys23759= (NM_001256850.1); c.49005T>C, p.Cys16335= (NM_003319.4); c.49380T>C, p.Cys16460= (NM_133432.3); c.49581T>C, p.Cys16527= (NM_133437.4); c.68496T>C, p.Cys22832= (NM_133378.4).
Identifiers: ClinVar variation 47345 (VCV000047345.18), dbSNP rs397517705, ClinGen allele CA140748.

ClinVar aggregate classification (germline): Likely benign. Review status: criteria provided, multiple submitters, no conflicts (2 of 4 stars). 3 submissions from 3 submitters: Likely benign (3). Last evaluated 2025-07-30.

Conditions:
Cardiovascular phenotype. Identifiers: MedGen CN230736.
Dilated cardiomyopathy 1G (CMD1G). Identifiers: Orphanet 154, MedGen C1858763, MONDO:0011400, OMIM 604145.
Autosomal recessive limb-girdle muscular dystrophy type 2J (LGMDR10). Also called: Limb-girdle muscular dystrophy, type 2J; MUSCULAR DYSTROPHY, LIMB-GIRDLE, AUTOSOMAL RECESSIVE 10. Identifiers: Orphanet 140922, MedGen C1837342, MONDO:0012127, OMIM 608807.

Allele frequency attached by ClinVar (database versions not stated): gnomAD 0.00001; TOPMed 0.00004; ExAC 0.00011; gnomAD exomes 0.00015.
gnomAD v4.1: 41 of 1,612,976 alleles (0.0025%); highest among the groups gnomAD compares: Admixed American, 0.068%; 1 homozygote.

Submissions (3):

Labcorp Genetics (formerly Invitae), Labcorp
Classification: Likely benign for Dilated cardiomyopathy 1G; Autosomal recessive limb-girdle muscular dystrophy type 2J. Last evaluated: 2025-07-30. Review status: criteria provided, single submitter. Criteria: Invitae Variant Classification Sherloc (09022015). Collection method: clinical testing. Allele origin: germline.

Ambry Genetics
Classification: Likely benign for Cardiovascular phenotype. Last evaluated: 2019-05-30. Review status: criteria provided, single submitter. Criteria: Ambry Variant Classification Scheme 2023. Collection method: clinical testing. Allele origin: germline.

Laboratory for Molecular Medicine, Mass General Brigham Personalized Medicine
Classification: Likely benign. Last evaluated: 2012-09-24. Review status: criteria provided, single submitter. Criteria: LMM Criteria. Collection method: clinical testing. Allele origin: germline. Observed: 1 variant allele.
Comment: Cys22832Cys in exon 275 of TTN: This variant is not expected to have clinical si gnificance because it does not alter an amino acid residue and is not located wi thin the splice consensus sequence. Cys22832Cys in exon 275 of TTN (allele freq uency = n/a)